The following is an entry in ClinVar:

NM_020921.4(NIN):c.3647G>A (p.Arg1216Gln)

Gene: NIN (ninein; minus strand). Cytogenetic location: 14q22.1.
Variant type: single nucleotide variant.
Coding change: c.3647G>A on transcript NM_020921.4 (MANE Select); coding-DNA position 3647, G replaced by A.
Protein change: p.Arg1216Gln; replaces arginine 1216 with glutamine.
Molecular consequence: missense variant. On other transcripts: intron variant (1).
Genome position (GRCh38, 1-based): chr14:50,757,383, C>T on the plus strand (G>A on the coding strand, the complement: NIN is on the minus strand). VCF-style: chr14-50757383-C-T. GRCh37 (hg19) VCF-style: chr14-51224101-C-T.
Other names: c.3647G>A, p.Arg1216Gln (NM_182944.3, NM_182946.2); c.2399+2474G>A (NM_016350.5); short protein forms R1216Q.
Identifiers: ClinVar variation 211610 (VCV000211610.21), dbSNP rs192017781, ClinGen allele CA207888.
Genomic context (GRCh38, chr14:50,757,383, plus strand): 5'-TTCAGTTTCTTTTTTAGCACAGAAACATCAAAAAGTAGGTCCTGTTTCTTTTCAGAAGCT[C>T]GATCACAGTCCGCACATAACATCATTAGCTGTTCCTGAAGCTGACTAATCTGATTCTTCA-3'
Protein context (NP_065972.4, residues 1206-1226): QLMMLCADCD[Arg1216Gln]ASEKKQDLLF

ClinVar aggregate classification (germline): Uncertain significance. Review status: criteria provided, multiple submitters, no conflicts (2 of 4 stars). 5 submissions from 5 submitters: Uncertain significance (5). Last evaluated 2025-09-29.

Allele frequency attached by ClinVar (database versions not stated): 1000 Genomes Project 30x 0.00031; gnomAD 0.00032 and 0.00034; gnomAD exomes 0.00033 and 0.00050; ExAC 0.00036; TOPMed 0.00038; 1000 Genomes Project 0.00040; ESP Exome Variant Server 0.00054.
gnomAD v4.1: 794 of 1,614,016 alleles (0.049%); highest among the groups gnomAD compares: Non-Finnish European, 0.059%; no homozygotes.

Submissions (5):

Labcorp Genetics (formerly Invitae), Labcorp
Classification: Uncertain significance. Last evaluated: 2025-09-29. Review status: criteria provided, single submitter. Criteria: Invitae Variant Classification Sherloc (09022015). Collection method: clinical testing. Allele origin: germline.
Comment: This sequence change replaces arginine, which is basic and polar, with glutamine, which is neutral and polar, at codon 1216 of the NIN protein (p.Arg1216Gln). This variant is present in population databases (rs192017781, gnomAD 0.05%), and has an allele count higher than expected for a pathogenic variant. This variant has not been reported in the literature in individuals affected with NIN-related conditions. ClinVar contains an entry for this variant (Variation ID: 211610). An algorithm developed to predict the effect of missense changes on protein structure and function outputs the following: PolyPhen-2: "Benign". The glutamine amino acid residue is found in multiple mammalian species, which suggests that this missense change does not adversely affect protein function. In summary, the available evidence is currently insufficient to determine the role of this variant in disease. Therefore, it has been classified as a Variant of Uncertain Significance.

CeGaT Center for Human Genetics Tuebingen
Classification: Uncertain significance. Last evaluated: 2025-07-01. Review status: criteria provided, single submitter. Criteria: CeGaT Center For Human Genetics Tuebingen Variant Classification Criteria Version 2. Collection method: clinical testing. Allele origin: germline. Affected: yes. Observed: 1 variant allele.
Comment: NIN: PM2:Supporting, BP4

Women's Health and Genetics/Laboratory Corporation of America, LabCorp
Classification: Uncertain significance. Last evaluated: 2025-05-14. Review status: criteria provided, single submitter. Criteria: LabCorp Variant Classification Summary - May 2015. Collection method: clinical testing. Allele origin: germline.
Comment: Variant summary: NIN c.3647G>A (p.Arg1216Gln) results in a conservative amino acid change in the encoded protein sequence. Algorithms developed to predict the effect of missense changes on protein structure and function are either unavailable or do not agree on the potential impact of this missense change. The variant allele was found at a frequency of 0.00049 in 1607042 control chromosomes. This frequency is not significantly higher than estimated for a pathogenic variant in NIN causing Seckel Syndrome 7, allowing no conclusion about variant significance. To our knowledge, no occurrence of c.3647G>A in individuals affected with Seckel Syndrome 7 and no experimental evidence demonstrating its impact on protein function have been reported. ClinVar contains an entry for this variant (Variation ID: 211610). Based on the evidence outlined above, the variant was classified as uncertain significance.

Ambry Genetics
Classification: Uncertain significance. Last evaluated: 2024-11-08. Review status: criteria provided, single submitter. Criteria: Ambry Variant Classification Scheme 2023. Collection method: clinical testing. Allele origin: germline.

Genetic Services Laboratory, University of Chicago
Classification: Uncertain significance. Last evaluated: 2015-06-10. Review status: criteria provided, single submitter. Criteria: ACMG Guidelines, 2015. Collection method: clinical testing. Allele origin: germline.